The following is an entry in ClinVar:

NM_001166108.2(PALLD):c.2284A>G (p.Ile762Val)

Genes: CBR4 (carbonyl reductase 4; minus strand), PALLD (palladin, cytoskeletal associated protein; plus strand). Cytogenetic location: 4q32.3.
Variant type: single nucleotide variant.
Coding change: c.2284A>G on transcript NM_001166108.2 (MANE Select); coding-DNA position 2284, A replaced by G.
Protein change: p.Ile762Val; replaces isoleucine 762 with valine.
Molecular consequence: missense variant.
Genome position (GRCh38, 1-based): chr4:168,898,526, A>G. VCF-style: chr4-168898526-A-G. GRCh37 (hg19) VCF-style: chr4-169819677-A-G.
Other names: c.1087A>G, p.Ile363Val (NM_001166109.2); c.772A>G, p.Ile258Val (NM_001166110.2); c.112A>G, p.Ile38Val (NM_001367567.1, NM_001367569.1); c.163A>G, p.Ile55Val (NM_001367568.1, NM_001367570.1); c.2233A>G, p.Ile745Val (NM_016081.4); short protein forms I258V, I55V, I38V, I762V, I363V, I745V.
Identifiers: ClinVar variation 3885351 (VCV003885351.1).

ClinVar aggregate classification (germline): Uncertain significance (1 of 4 stars; one submission).

Submission:

Ambry Genetics
Classification: Uncertain significance. Last evaluated: 2025-02-20. Review status: criteria provided, single submitter. Criteria: Ambry Variant Classification Scheme 2023. Collection method: clinical testing. Allele origin: germline.
Comment: The p.I258V variant (also known as c.772A>G), located in coding exon 4 of the PALLD gene, results from an A to G substitution at nucleotide position 772. The isoleucine at codon 258 is replaced by valine, an amino acid with highly similar properties. This amino acid position is conserved. In addition, the in silico prediction for this alteration is inconclusive. Based on the available evidence, the clinical significance of this variant remains unclear.